The following is an entry in ClinVar:

ClinVar aggregate classification (germline): Uncertain significance (1 of 4 stars; one submission).

Conditions:
Cystic fibrosis (CF). Also called: MUCOVISCIDOSIS. Identifiers: Orphanet 586, MedGen C0010674, MONDO:0009061, OMIM 219700. Disease mechanism: loss of function.

Submission:

Ambry Genetics
Classification: Uncertain significance for Cystic fibrosis. Last evaluated: 2022-05-20. Review status: criteria provided, single submitter. Criteria: Ambry Variant Classification Scheme 2023. Collection method: clinical testing. Allele origin: germline.
Comment: The p.D729H variant (also known as c.2185G>C), located in coding exon 14 of the CFTR gene, results from a G to C substitution at nucleotide position 2185. The aspartic acid at codon 729 is replaced by histidine, an amino acid with similar properties. This amino acid position is conserved. In addition, the in silico prediction for this alteration is inconclusive. Since supporting evidence is limited at this time, the clinical significance of this alteration remains unclear.

NM_000492.4(CFTR):c.2185G>C (p.Asp729His)

Gene: CFTR (CF transmembrane conductance regulator; plus strand). Cytogenetic location: 7q31.2.
Variant type: single nucleotide variant.
Coding change: c.2185G>C on transcript NM_000492.4 (MANE Select); coding-DNA position 2185, G replaced by C.
Protein change: p.Asp729His; replaces aspartic acid 729 with histidine.
Molecular consequence: missense variant.
Genome position (GRCh38, 1-based): chr7:117,592,352, G>C. VCF-style: chr7-117592352-G-C. GRCh37 (hg19) VCF-style: chr7-117232406-G-C.
Other names: short protein forms D729H.
Identifiers: ClinVar variation 1787327 (VCV001787327.2), dbSNP rs2485110180, ClinGen allele CA368980315.
Genomic context (GRCh38, chr7:117,592,352, plus strand): 5'-CGAAAATTTTCCATTGTGCAAAAGACTCCCTTACAAATGAATGGCATCGAAGAGGATTCT[G>C]ATGAGCCTTTAGAGAGAAGGCTGTCCTTAGTACCAGATTCTGAGCAGGGAGAGGCGATAC-3'
Protein context (NP_000483.3, residues 719-739): LQMNGIEEDS[Asp729His]EPLERRLSLV